The following is an entry in ClinVar:

ClinVar aggregate classification (germline): Uncertain significance (1 of 4 stars; one submission).

Conditions:
T-cell immunodeficiency, congenital alopecia, and nail dystrophy. Also called: Congenital alopecia and nail dystrophy associated with severe functional T-cell immunodeficiency; Pignata Guarino syndrome. Identifiers: Orphanet 169095, MedGen C1866426, MONDO:0011132, OMIM 601705.

Allele frequency attached by ClinVar (database versions not stated): gnomAD exomes 0.00007; ExAC 0.00010; ESP Exome Variant Server 0.00015; TOPMed 0.00023; gnomAD 0.00029; 1000 Genomes Project 0.00060; 1000 Genomes Project 30x 0.00062.
gnomAD v4.1: 85 of 1,612,848 alleles (0.0053%); highest among the groups gnomAD compares: African/African-American, 0.088%; no homozygotes.

Submission:

Labcorp Genetics (formerly Invitae), Labcorp
Classification: Uncertain significance for T-cell immunodeficiency, congenital alopecia, and nail dystrophy. Last evaluated: 2024-11-04. Review status: criteria provided, single submitter. Criteria: Invitae Variant Classification Sherloc (09022015). Collection method: clinical testing. Allele origin: germline.
Comment: This sequence change replaces threonine, which is neutral and polar, with serine, which is neutral and polar, at codon 17 of the FOXN1 protein (p.Thr17Ser). This variant is present in population databases (rs143518324, gnomAD 0.09%). This variant has not been reported in the literature in individuals affected with FOXN1-related conditions. ClinVar contains an entry for this variant (Variation ID: 853695). An algorithm developed to predict the effect of missense changes on protein structure and function (PolyPhen-2) suggests that this variant¬†is likely to be tolerated. In summary, the available evidence is currently insufficient to determine the role of this variant in disease. Therefore, it has been classified as a Variant of Uncertain Significance.

NM_001369369.1(FOXN1):c.50C>G (p.Thr17Ser)

Gene: FOXN1 (forkhead box N1; plus strand). Cytogenetic location: 17q11.2.
Variant type: single nucleotide variant.
Coding change: c.50C>G on transcript NM_001369369.1 (MANE Select); coding-DNA position 50, C replaced by G.
Protein change: p.Thr17Ser; replaces threonine 17 with serine.
Molecular consequence: missense variant.
Genome position (GRCh38, 1-based): chr17:28,524,019, C>G. VCF-style: chr17-28524019-C-G. GRCh37 (hg19) VCF-style: chr17-26851037-C-G.
Other names: c.50C>G, p.Thr17Ser (NM_003593.3); short protein forms T17S.
Identifiers: ClinVar variation 853695 (VCV000853695.5), dbSNP rs143518324, ClinGen allele CA8459124.